The following is an entry in ClinVar:

ClinVar aggregate classification (germline): Uncertain significance. Review status: criteria provided, multiple submitters, no conflicts (2 of 4 stars). 6 submissions from 6 submitters: Uncertain significance (5). 1 of the submissions does not count toward it. Last evaluated 2025-07-08.

Conditions:
Ehlers-Danlos syndrome, dermatosparaxis type. Also called: EDS VIIC; Dermatosparaxis; Ehlers-Danlos syndrome, type VII, autosomal recessive. Identifiers: Orphanet 1901, MedGen C2700425, MONDO:0009161, OMIM 225410.

Allele frequency attached by ClinVar (database versions not stated): ExAC 0.00001; gnomAD exomes 0.00001 and 0.00004; TOPMed 0.00003; gnomAD 0.00005; ESP Exome Variant Server 0.00008.
gnomAD v4.1: 70 of 1,613,422 alleles (0.0043%); highest among the groups gnomAD compares: Non-Finnish European, 0.0055%; no homozygotes.

Submissions (6):

Women's Health and Genetics/Laboratory Corporation of America, LabCorp
Classification: Uncertain significance. Last evaluated: 2025-07-08. Review status: criteria provided, single submitter. Criteria: LabCorp Variant Classification Summary - May 2015. Collection method: clinical testing. Allele origin: germline.
Comment: Variant summary: ADAMTS2 c.547C>T (p.Arg183Trp) results in a non-conservative amino acid change in the encoded protein sequence. Algorithms developed to predict the effect of missense changes on protein structure and function are either unavailable or do not agree on the potential impact of this missense change. The variant allele was found at a frequency of 8e-06 in 251228 control chromosomes. The available data on variant occurrences in the general population are insufficient to allow any conclusion about variant significance. To our knowledge, no occurrence of c.547C>T in individuals affected with Ehlers-Danlos syndrome, dermatosparaxis type and no experimental evidence demonstrating its impact on protein function have been reported. ClinVar contains an entry for this variant (Variation ID: 452231). Based on the evidence outlined above, the variant was classified as uncertain significance.

Labcorp Genetics (formerly Invitae), Labcorp
Classification: Uncertain significance for Ehlers-Danlos syndrome, dermatosparaxis type. Last evaluated: 2025-01-25. Review status: criteria provided, single submitter. Criteria: Invitae Variant Classification Sherloc (09022015). Collection method: clinical testing. Allele origin: germline.
Comment: This sequence change replaces arginine, which is basic and polar, with tryptophan, which is neutral and slightly polar, at codon 183 of the ADAMTS2 protein (p.Arg183Trp). The frequency data for this variant in the population databases is considered unreliable, as metrics indicate poor data quality at this position in the gnomAD database. This variant has not been reported in the literature in individuals affected with ADAMTS2-related conditions. ClinVar contains an entry for this variant (Variation ID: 452231). An algorithm developed to predict the effect of missense changes on protein structure and function (PolyPhen-2) suggests that this variant is likely to be disruptive. In summary, the available evidence is currently insufficient to determine the role of this variant in disease. Therefore, it has been classified as a Variant of Uncertain Significance.

Mayo Clinic Laboratories, Mayo Clinic
Classification: Uncertain significance. Last evaluated: 2024-12-03. Review status: criteria provided, single submitter. Criteria: ACMG Guidelines, 2015. Collection method: clinical testing. Allele origin: germline. Observed: 2 variant alleles.
Comment: BP4

Fulgent Genetics
Classification: Uncertain significance for Ehlers-Danlos syndrome, dermatosparaxis type. Last evaluated: 2022-04-25. Review status: criteria provided, single submitter. Criteria: ACMG Guidelines, 2015. Collection method: clinical testing. Allele origin: unknown.

GeneDx
Classification: Uncertain significance. Last evaluated: 2018-03-05. Review status: criteria provided, single submitter. Criteria: GeneDx Variant Classification (06012015). Collection method: clinical testing. Allele origin: germline. Affected: yes.
Comment: A variant of uncertain significance has been identified in the ADAMTS2 gene. The R183W variant has not been published as pathogenic or been reported as benign to our knowledge. This variant is not observed at a significant frequency in large population cohorts (Lek et al., 2016). The R183W variant is a non-conservative amino acid substitution, which is likely to impact secondary protein structure as these residues differ in polarity, charge, size and/or other properties. In silico analysis predicts this variant is probably damaging to the protein structure/function. However, this substitution occurs at a position where amino acids with similar properties to arginine (R) are tolerated across species.

Natera, Inc.
Classification: Uncertain significance for Ehlers-Danlos syndrome type VIIC. Last evaluated: 2020-03-17. Review status: no assertion criteria provided. Collection method: clinical testing. Allele origin: germline. Not counted in ClinVar's aggregate classification.

NM_014244.5(ADAMTS2):c.547C>T (p.Arg183Trp)

Gene: ADAMTS2 (ADAM metallopeptidase with thrombospondin type 1 motif 2; minus strand). Cytogenetic location: 5q35.3.
Variant type: single nucleotide variant.
Coding change: c.547C>T on transcript NM_014244.5 (MANE Select); coding-DNA position 547, C replaced by T.
Protein change: p.Arg183Trp; replaces arginine 183 with tryptophan.
Molecular consequence: missense variant.
Genome position (GRCh38, 1-based): chr5:179,273,052, G>A on the plus strand (C>T on the coding strand, the complement: ADAMTS2 is on the minus strand). VCF-style: chr5-179273052-G-A. GRCh37 (hg19) VCF-style: chr5-178700053-G-A.
Other names: c.547C>T, p.Arg183Trp (NM_021599.4); short protein forms R183W.
Identifiers: ClinVar variation 452231 (VCV000452231.16), dbSNP rs372225444, ClinGen allele CA3596273.